The following is an entry in ClinVar:

ClinVar aggregate classification (germline): Uncertain significance (1 of 4 stars; one submission).

Conditions:
Developmental and epileptic encephalopathy, 81. Also called: EPILEPTIC ENCEPHALOPATHY, EARLY INFANTILE, 81. Identifiers: MedGen C5231450, MONDO:0032858, OMIM 618663.

Submission:

Department of Molecular Genetics, Istishari Arab Hospital
Classification: Uncertain significance for Developmental and epileptic encephalopathy, 81. Last evaluated: 2026-01-03. Review status: criteria provided, single submitter. Criteria: ACMG Guidelines, 2015. Collection method: clinical testing. Allele origin: germline. Inheritance: Autosomal recessive inheritance. Affected: yes.
Comment: The DMXL2 variant c.3495C>G, p.Ile1165Met creates a change in the amino acid from Ile to Met at position 1165. This variant is not observed in the gnomAD v4.1.0 dataset and has not been previously described in the literature. It is classified as a variant of uncertain significance based on the recommendations of ACMG/AMP/ClinGen SVI guidelines.

NM_001378457.1(DMXL2):c.3495C>G (p.Ile1165Met)

Gene: DMXL2 (Dmx like 2; minus strand). Cytogenetic location: 15q21.2.
Variant type: single nucleotide variant.
Coding change: c.3495C>G on transcript NM_001378457.1 (MANE Select); coding-DNA position 3495, C replaced by G.
Protein change: p.Ile1165Met; replaces isoleucine 1165 with methionine.
Molecular consequence: missense variant. On other transcripts: non-coding transcript variant (2), intron variant (2).
Genome position (GRCh38, 1-based): chr15:51,499,729, G>C on the plus strand (C>G on the coding strand, the complement: DMXL2 is on the minus strand). VCF-style: chr15-51499729-G-C. GRCh37 (hg19) VCF-style: chr15-51791926-G-C.
Other names: p.Ile1165Met; c.3495C>G, p.Ile1165Met (NM_001174116.3, NM_001378458.1, NM_001378459.1 and 4 more transcripts); c.3255C>G, p.Ile1085Met (NM_001378464.1); c.2764+7405C>G (NM_001378460.1); c.2765-4595C>G (NM_001174117.3); short protein forms I1085M, I1165M.
Identifiers: ClinVar variation 4682495 (VCV004682495.1).